The following is an entry in ClinVar:

NM_033380.3(COL4A5):c.1698T>C (p.Pro566=)

Gene: COL4A5 (collagen type IV alpha 5 chain; plus strand). Cytogenetic location: Xq22.3.
Variant type: single nucleotide variant.
Coding change: c.1698T>C on transcript NM_033380.3 (MANE Select); coding-DNA position 1698, T replaced by C.
Protein change: p.Pro566=; no amino-acid change (proline 566 retained).
Molecular consequence: synonymous variant.
Genome position (GRCh38, 1-based): chrX:108,597,487, T>C. VCF-style: chrX-108597487-T-C. GRCh37 (hg19) VCF-style: chrX-107840717-T-C.
Other names: c.1698T>C, p.Pro566= (NM_000495.5).
Identifiers: ClinVar variation 1092043 (VCV001092043.23), dbSNP rs143442986, ClinGen allele CA10488786.
Genomic context (GRCh38, chrX:108,597,487, plus strand): 5'-ACCTGGTGATATCCTCACTTTTCCAGGAATGAAGGGTGACAAAGGAGAGTTGGGTTCCCC[T>C]GGAGCTCCAGGGCTTCCTGGTTTACCTGGCACTCCTGGACAGGATGGATTGCCAGGGCTT-3'
Protein context (NP_203699.1, residues 556-576): MKGDKGELGS[Pro566=]GAPGLPGLPG

ClinVar aggregate classification (germline): Likely benign. Review status: criteria provided, multiple submitters, no conflicts (2 of 4 stars). 3 submissions from 3 submitters: Likely benign (3). Last evaluated 2025-12-16.

Allele frequency attached by ClinVar (database versions not stated): ExAC 0.00002; gnomAD exomes 0.00002 and 0.00009; gnomAD 0.00008 and 0.00010; ESP Exome Variant Server 0.00009; TOPMed 0.00009.
gnomAD v4.1: 110 of 1,208,635 alleles (0.0091%); highest among the groups gnomAD compares: Middle Eastern, 0.023%; no homozygotes.

Submissions (3):

Labcorp Genetics (formerly Invitae), Labcorp
Classification: Likely benign. Last evaluated: 2025-12-16. Review status: criteria provided, single submitter. Criteria: Invitae Variant Classification Sherloc (09022015). Collection method: clinical testing. Allele origin: germline.

CeGaT Center for Human Genetics Tuebingen
Classification: Likely benign. Last evaluated: 2025-01-01. Review status: criteria provided, single submitter. Criteria: CeGaT Center For Human Genetics Tuebingen Variant Classification Criteria Version 2. Collection method: clinical testing. Allele origin: germline. Affected: yes. Observed: 1 variant allele.
Comment: COL4A5: BP4, BP7, BS2

Blueprint Genetics
Classification: Likely benign. Last evaluated: 2023-12-28. Review status: criteria provided, single submitter. Criteria: ACMG Guidelines, 2015. Collection method: clinical testing. Allele origin: germline.